The following is an entry in ClinVar:

ClinVar aggregate classification (germline): Likely pathogenic (1 of 4 stars; one submission).

Conditions:
Intellectual developmental disorder, X-linked, syndromic, Snyder-Robinson type. Also called: SNYDER-ROBINSON MENTAL RETARDATION SYNDROME; X-linked mental retardation Snyder - Robinson type; Spermine synthase deficiency; Syndromic X-linked intellectual disability Snyder type. Identifiers: Orphanet 3063, MedGen C0796160, MONDO:0010664, OMIM 309583.

Submission:

Victorian Clinical Genetics Services, Murdoch Childrens Research Institute
Classification: Likely pathogenic for Intellectual developmental disorder, X-linked, syndromic, Snyder-Robinson type. Last evaluated: 2022-02-02. Review status: criteria provided, single submitter. Criteria: ACMG Guidelines, 2015. Collection method: clinical testing. Allele origin: germline. Inheritance: X-linked recessive inheritance. Affected: yes.
Comment: Based on the classification scheme VCGS_Germline_v1.3.4, this variant is classified as Likely pathogenic. Following criteria are met: 0102 - Loss of function is a known mechanism of disease in this gene and is associated with intellectual developmental disorder, X-linked syndromic, Snyder-Robinson type (MIM#309583). (I) 0109 - This gene is associated with X-linked recessive disease. (I) 0200 - Variant is predicted to result in a missense amino acid change from valine to alanine. (I) 0253 - This variant is hemizygous. (I) 0301 - Variant is absent from gnomAD (both v2 and v3). (SP) 0501 - Missense variant consistently predicted to be damaging by multiple in silico tools or highly conserved with a major amino acid change. (SP) 0600 - Variant is located in the annotated spermidine synthase tetramerisation domain (NCBI domain). (I) 0705 - No comparable missense variants have previous evidence for pathogenicity. (I) 0807 - This variant has no previous evidence of pathogenicity. (I) 0905 - No published segregation evidence has been identified for this variant. (I) 1007 - No published functional evidence has been identified for this variant. (SP) Legend: (SP) - Supporting pathogenic, (I) - Information, (SB) - Supporting benign

NM_004595.5(SMS):c.674T>C (p.Val225Ala)

Gene: SMS (spermine synthase; plus strand). Cytogenetic location: Xp22.11.
Variant type: single nucleotide variant.
Coding change: c.674T>C on transcript NM_004595.5 (MANE Select); coding-DNA position 674, T replaced by C.
Protein change: p.Val225Ala; replaces valine 225 with alanine.
Molecular consequence: missense variant.
Genome position (GRCh38, 1-based): chrX:21,978,890, T>C. VCF-style: chrX-21978890-T-C. GRCh37 (hg19) VCF-style: chrX-21997008-T-C.
Other names: c.515T>C, p.Val172Ala (NM_001258423.2); short protein forms V172A, V225A.
Identifiers: ClinVar variation 2500736 (VCV002500736.2), dbSNP rs2519671108, ClinGen allele CA412568994.